The following is an entry in ClinVar:

NM_001261826.3(AP3D1):c.545G>A (p.Arg182His)

Gene: AP3D1 (adaptor related protein complex 3 subunit delta 1; minus strand). Cytogenetic location: 19p13.3.
Variant type: single nucleotide variant.
Coding change: c.545G>A on transcript NM_001261826.3 (MANE Select); coding-DNA position 545, G replaced by A.
Protein change: p.Arg182His; replaces arginine 182 with histidine.
Molecular consequence: missense variant.
Genome position (GRCh38, 1-based): chr19:2,130,455, C>T on the plus strand (G>A on the coding strand, the complement: AP3D1 is on the minus strand). VCF-style: chr19-2130455-C-T. GRCh37 (hg19) VCF-style: chr19-2130454-C-T.
Other names: c.545G>A, p.Arg182His (NM_001374799.1, NM_003938.8); short protein forms R182H.
Identifiers: ClinVar variation 1927965 (VCV001927965.5), dbSNP rs752716340, ClinGen allele CA9059681.
Genomic context (GRCh38, chr19:2,130,455, plus strand): 5'-CAAATCCACAAACCGGGGTCGGGGTCCTCCAGCTTCTCCTTCAGCCGGGGAAAGGCAGGG[C>T]GCAGCGACTCGGGGTACTTCAGGAACACCTTGTACATGATCAGCACAGCCTTCTTCCTGA-3'
Protein context (NP_001248755.1, residues 172-192): KVFLKYPESL[Arg182His]PAFPRLKEKL

ClinVar aggregate classification (germline): Uncertain significance (1 of 4 stars; one submission).

gnomAD v4.1: 4 of 1,614,064 alleles (0.00025%); highest among the groups gnomAD compares: Admixed American, 0.0033%; no homozygotes.

Submission:

Labcorp Genetics (formerly Invitae), Labcorp
Classification: Uncertain significance. Last evaluated: 2024-04-04. Review status: criteria provided, single submitter. Criteria: Invitae Variant Classification Sherloc (09022015). Collection method: clinical testing. Allele origin: germline.
Comment: This sequence change replaces arginine, which is basic and polar, with histidine, which is basic and polar, at codon 182 of the AP3D1 protein (p.Arg182His). This variant is present in population databases (rs752716340, gnomAD 0.006%). This variant has not been reported in the literature in individuals affected with AP3D1-related conditions. ClinVar contains an entry for this variant (Variation ID: 1927965). An algorithm developed to predict the effect of missense changes on protein structure and function (PolyPhen-2) suggests that this variant is likely to be disruptive. In summary, the available evidence is currently insufficient to determine the role of this variant in disease. Therefore, it has been classified as a Variant of Uncertain Significance.